The following is an entry in ClinVar:

ClinVar aggregate classification (germline): Pathogenic/Likely pathogenic. Review status: criteria provided, multiple submitters, no conflicts (2 of 4 stars). 4 submissions from 4 submitters: Pathogenic (3); Likely pathogenic (1). Last evaluated 2025-01-22.

Conditions:
Familial X-linked hypophosphatemic vitamin D refractory rickets (XLHRD). Also called: X-Linked Hypophosphatemia; Hypophosphatemia, vitamin D-resistant rickets; Vitamin D-resistant rickets, X-linked; Hypophosphatemic Rickets, X-Linked Dominant; HYPOPHOSPHATEMIC VITAMIN D-RESISTANT RICKETS. Identifiers: Orphanet 89936, MedGen C0733682, MONDO:0010619, OMIM 307800.

Submissions (4):

Women's Health and Genetics/Laboratory Corporation of America, LabCorp
Classification: Likely pathogenic for Familial X-linked hypophosphatemic vitamin D refractory rickets. Last evaluated: 2025-01-22. Review status: criteria provided, single submitter. Criteria: LabCorp Variant Classification Summary - May 2015. Collection method: clinical testing. Allele origin: germline.
Comment: Variant summary: PHEX c.733-1G>C is located in a canonical splice-site and is predicted to affect mRNA splicing resulting in a significantly altered protein due to either exon skipping, shortening, or inclusion of intronic material. Variants that disrupt the consensus splice site are a relatively common cause of aberrant splicing and loss of PHEX function. Several computational tools predict a significant impact on normal splicing: Four predict the variant abolishes a 3' acceptor site. However, these predictions have yet to be confirmed by functional studies. The variant was absent in 183254 control chromosomes. c.733-1G>C has been reported in the literature in at least one individual affected with X-Linked Hypophosphatemic Rickets (e.g. HYP Consortium_1995, Rowe_1997). These data indicate that the variant is likely associated with disease. To our knowledge, no experimental evidence demonstrating an impact on protein function has been reported. The following publications have been ascertained in the context of this evaluation (PMID: 31216405, 9097956, 7550339). ClinVar contains an entry for this variant (Variation ID: 689777). Based on the evidence outlined above, the variant was classified as likely pathogenic.

Mendelics
Classification: Pathogenic for Familial X-linked hypophosphatemic vitamin D refractory rickets. Last evaluated: 2022-05-04. Review status: criteria provided, single submitter. Criteria: Mendelics Assertion Criteria 2019. Collection method: clinical testing. Allele origin: germline.

Labcorp Genetics (formerly Invitae), Labcorp
Classification: Pathogenic. Last evaluated: 2021-02-03. Review status: criteria provided, single submitter. Criteria: Invitae Variant Classification Sherloc (09022015). Collection method: clinical testing. Allele origin: germline.
Comment: For these reasons, this variant has been classified as Pathogenic. Studies have shown that this variant is associated with skipping of exon 7 but is expected to preserve the integrity of the reading frame (PMID: 9097956, 7550339). Disruption of this splice site has been observed in individual(s) with hypophosphatemia (PMID: 9097956, 19219621). ClinVar contains an entry for this variant (Variation ID: 689777). This sequence change affects an acceptor splice site in intron 6 of the PHEX gene. RNA analysis indicates that this variant induces altered splicing and likely results in a shortened protein product. This variant is not present in population databases (ExAC no frequency).

Baylor Genetics
Classification: Pathogenic for Familial X-linked hypophosphatemic vitamin D refractory rickets. Last evaluated: 2017-12-31. Review status: criteria provided, single submitter. Criteria: ACMG Guidelines, 2015. Collection method: clinical testing. Allele origin: germline. Affected: yes.

Literature cited by the submitters: PubMed 9097956 (cited by 3 submitters); PubMed 31216405 (cited by Women's Health and Genetics/Laboratory Corporation of America, LabCorp); PubMed 7550339 (cited by Labcorp Genetics (formerly Invitae), Labcorp and Baylor Genetics); PubMed 19219621 (cited by Labcorp Genetics (formerly Invitae), Labcorp); PubMed 25525159 (cited by Baylor Genetics).

NM_000444.6(PHEX):c.733-1G>C

Gene: PHEX (phosphate regulating endopeptidase X-linked; plus strand). Cytogenetic location: Xp22.11.
Variant type: single nucleotide variant.
Coding change: c.733-1G>C on transcript NM_000444.6 (MANE Select); the canonical splice acceptor site of the intron before coding-DNA position 733, G replaced by C.
Molecular consequence: splice acceptor variant.
Genome position (GRCh38, 1-based): chrX:22,093,982, G>C. VCF-style: chrX-22093982-G-C. GRCh37 (hg19) VCF-style: chrX-22112100-G-C.
Other names: c.733-1G>C (NM_001282754.2).
Identifiers: ClinVar variation 689777 (VCV000689777.12), dbSNP rs886041223, ClinGen allele CA412572251.